The following is an entry in ClinVar:

NM_001127671.2(LIFR):c.1207C>T (p.Gln403Ter)

Gene: LIFR (LIF receptor subunit alpha; minus strand). Cytogenetic location: 5p13.1.
Variant type: single nucleotide variant.
Coding change: c.1207C>T on transcript NM_001127671.2 (MANE Select); coding-DNA position 1207, C replaced by T.
Protein change: p.Gln403Ter; replaces glutamine 403 with a stop codon.
Molecular consequence: nonsense.
Genome position (GRCh38, 1-based): chr5:38,505,989, G>A on the plus strand (C>T on the coding strand, the complement: LIFR is on the minus strand). VCF-style: chr5-38505989-G-A. GRCh37 (hg19) VCF-style: chr5-38506091-G-A.
Other names: c.1207C>T, p.Gln403Ter (NM_001364297.2, NM_001364298.2, NM_002310.6); short protein forms Q403*.
Identifiers: ClinVar variation 4815011 (VCV004815011.1).

ClinVar aggregate classification (germline): Likely pathogenic (1 of 4 stars; one submission).

Conditions:
Stuve-Wiedemann syndrome (STWS). Also called: Stüve-Wiedemann syndrome. Identifiers: Orphanet 3206, MedGen C0796176, MONDO:0031280.

Submission:

Natera, Inc.
Classification: Likely pathogenic for Stuve-Wiedemann syndrome. Last evaluated: 2025-10-29. Review status: criteria provided, single submitter. Criteria: Natera Variant Classification Schema (03/2026). Collection method: clinical testing. Allele origin: germline.
Comment: The c.1207C>T variant in LIFR is a nonsense variant predicted to introduce a stop codon at amino acid 403. This variant is expected to result in nonsense mediated decay, truncation, or a dysfunctional protein product. This variant is rare in the general population with a frequency below the threshold expected for the associated phenotype(s). Given the available evidence, this variant is classified as Likely Pathogenic.